The following is an entry in ClinVar:

NM_005477.3(HCN4):c.512C>A (p.Pro171Gln)

Gene: HCN4 (hyperpolarization activated cyclic nucleotide gated potassium channel 4; minus strand). Cytogenetic location: 15q24.1.
Variant type: single nucleotide variant.
Coding change: c.512C>A on transcript NM_005477.3 (MANE Select); coding-DNA position 512, C replaced by A.
Protein change: p.Pro171Gln; replaces proline 171 with glutamine.
Molecular consequence: missense variant.
Genome position (GRCh38, 1-based): chr15:73,367,759, G>T on the plus strand (C>A on the coding strand, the complement: HCN4 is on the minus strand). VCF-style: chr15-73367759-G-T. GRCh37 (hg19) VCF-style: chr15-73660100-G-T.
Other names: short protein forms P171Q.
Identifiers: ClinVar variation 2156137 (VCV002156137.4), dbSNP rs1339319886, ClinGen allele CA393097787.

ClinVar aggregate classification (germline): Uncertain significance (1 of 4 stars; one submission).

Conditions:
Brugada syndrome 8 (BRGDA8). Identifiers: Orphanet 130, MedGen C2751083, MONDO:0013148, OMIM 613123.

gnomAD v4.1: 2 of 1,530,844 alleles (0.00013%); highest among the groups gnomAD compares: East Asian, 0.0025%; no homozygotes.

Submission:

Labcorp Genetics (formerly Invitae), Labcorp
Classification: Uncertain significance for Brugada syndrome 8. Last evaluated: 2022-03-14. Review status: criteria provided, single submitter. Criteria: Invitae Variant Classification Sherloc (09022015). Collection method: clinical testing. Allele origin: germline.
Comment: Advanced modeling of protein sequence and biophysical properties (such as structural, functional, and spatial information, amino acid conservation, physicochemical variation, residue mobility, and thermodynamic stability) performed at Invitae indicates that this missense variant is not expected to disrupt HCN4 protein function. In summary, the available evidence is currently insufficient to determine the role of this variant in disease. Therefore, it has been classified as a Variant of Uncertain Significance. This variant has not been reported in the literature in individuals affected with HCN4-related conditions. This variant is present in population databases (no rsID available, gnomAD 0.01%). This sequence change replaces proline, which is neutral and non-polar, with glutamine, which is neutral and polar, at codon 171 of the HCN4 protein (p.Pro171Gln).